The following is an entry in ClinVar:

ClinVar aggregate classification (germline): Uncertain significance. Review status: criteria provided, multiple submitters, no conflicts (2 of 4 stars). 2 submissions from 2 submitters: Uncertain significance (2). Last evaluated 2025-11-02.

Allele frequency attached by ClinVar (database versions not stated): TOPMed below 0.00001.

Submissions (2):

Ambry Genetics
Classification: Uncertain significance. Last evaluated: 2025-11-02. Review status: criteria provided, single submitter. Criteria: Ambry Variant Classification Scheme 2023. Collection method: clinical testing. Allele origin: germline.

CeGaT Center for Human Genetics Tuebingen
Classification: Uncertain significance. Last evaluated: 2024-01-01. Review status: criteria provided, single submitter. Criteria: CeGaT Center For Human Genetics Tuebingen Variant Classification Criteria Version 2. Collection method: clinical testing. Allele origin: germline. Affected: yes. Observed: 1 variant allele.
Comment: COX6A2: PM2, BP4

NM_005205.4(COX6A2):c.241C>G (p.Leu81Val)

Gene: COX6A2 (cytochrome c oxidase subunit 6A2; minus strand). Cytogenetic location: 16p11.2.
Variant type: single nucleotide variant.
Coding change: c.241C>G on transcript NM_005205.4 (MANE Select); coding-DNA position 241, C replaced by G.
Protein change: p.Leu81Val; replaces leucine 81 with valine.
Molecular consequence: missense variant.
Genome position (GRCh38, 1-based): chr16:31,427,827, G>C on the plus strand (C>G on the coding strand, the complement: COX6A2 is on the minus strand). VCF-style: chr16-31427827-G-C. GRCh37 (hg19) VCF-style: chr16-31439148-G-C.
Other names: c.241C>G (NM_005205.3); short protein forms L81V.
Identifiers: ClinVar variation 3026920 (VCV003026920.22), dbSNP rs1306920252, ClinGen allele CA395705466.